The following is an entry in ClinVar:

NM_000521.4(HEXB):c.659T>C (p.Leu220Pro)

Gene: HEXB (hexosaminidase subunit beta; plus strand). Cytogenetic location: 5q13.3.
Variant type: single nucleotide variant.
Coding change: c.659T>C on transcript NM_000521.4 (MANE Select); coding-DNA position 659, T replaced by C.
Protein change: p.Leu220Pro; replaces leucine 220 with proline.
Molecular consequence: missense variant. On other transcripts: 5 prime UTR variant (1).
Genome position (GRCh38, 1-based): chr5:74,697,096, T>C. VCF-style: chr5-74697096-T-C. GRCh37 (hg19) VCF-style: chr5-73992921-T-C.
Other names: c.-17T>C (NM_001292004.2); short protein forms L220P.
Identifiers: ClinVar variation 1362494 (VCV001362494.6), dbSNP rs1749130818, ClinGen allele CA360064097.

ClinVar aggregate classification (germline): Likely pathogenic (1 of 4 stars; one submission).

Conditions:
Sandhoff disease. Also called: HEXOSAMINIDASES A AND B DEFICIENCY; GM2-GANGLIOSIDOSIS, TYPE II; Beta-hexosaminidase-beta-subunit deficiency; GM2 gangliosidosis, type 2; Total hexosaminidase deficiency; Sandhoff-Jatzkewitz-Pilz disease. Identifiers: Orphanet 796, MedGen C0036161, MONDO:0010006, OMIM 268800.

Allele frequency attached by ClinVar (database versions not stated): gnomAD exomes below 0.00001; TOPMed below 0.00001.
gnomAD v4.1: 2 of 1,421,514 alleles (0.00014%); highest among the groups gnomAD compares: Non-Finnish European, 0.0002%; no homozygotes.

Submission:

Labcorp Genetics (formerly Invitae), Labcorp
Classification: Likely pathogenic for Sandhoff disease. Last evaluated: 2024-05-07. Review status: criteria provided, single submitter. Criteria: Invitae Variant Classification Sherloc (09022015). Collection method: clinical testing. Allele origin: germline.
Comment: This sequence change replaces leucine, which is neutral and non-polar, with proline, which is neutral and non-polar, at codon 220 of the HEXB protein (p.Leu220Pro). This variant is not present in population databases (gnomAD no frequency). This missense change has been observed in individual(s) with clinical features of Sandhoff disease (Invitae). In at least one individual the data is consistent with being in trans (on the opposite chromosome) from a pathogenic variant. ClinVar contains an entry for this variant (Variation ID: 1362494). Advanced modeling of protein sequence and biophysical properties (such as structural, functional, and spatial information, amino acid conservation, physicochemical variation, residue mobility, and thermodynamic stability) performed at Invitae indicates that this missense variant is expected to disrupt HEXB protein function with a positive predictive value of 95%. In summary, the currently available evidence indicates that the variant is pathogenic, but additional data are needed to prove that conclusively. Therefore, this variant has been classified as Likely Pathogenic.